The following is an entry in ClinVar:

ClinVar aggregate classification (germline): Pathogenic (1 of 4 stars; one submission).

Conditions:
Neurofibromatosis, type 1 (NF1). Also called: Peripheral type neurofibromatosis; VON RECKLINGHAUSEN DISEASE; NEUROFIBROMATOSIS, TYPE I, SOMATIC; Neurofibromatosis, type I. Identifiers: Orphanet 636, MedGen C0027831, MONDO:0018975, OMIM 162200. Disease mechanism: loss of function.

Submission:

Labcorp Genetics (formerly Invitae), Labcorp
Classification: Pathogenic for Neurofibromatosis, type 1. Last evaluated: 2024-07-19. Review status: criteria provided, single submitter. Criteria: Invitae Variant Classification Sherloc (09022015). Collection method: clinical testing. Allele origin: germline.
Comment: This sequence change creates a premature translational stop signal (p.Lys1717Ilefs*17) in the NF1 gene. It is expected to result in an absent or disrupted protein product. Loss-of-function variants in NF1 are known to be pathogenic (PMID: 10712197, 23913538). This variant is not present in population databases (gnomAD no frequency). This variant has not been reported in the literature in individuals affected with NF1-related conditions. For these reasons, this variant has been classified as Pathogenic.

Literature cited by the submitters: PubMed 10712197; PubMed 23913538.

NM_001042492.3(NF1):c.5213_5217del (p.Lys1738fs)

Gene: NF1 (neurofibromin 1; plus strand). Cytogenetic location: 17q11.2.
Variant type: Deletion.
Coding change: c.5213_5217del on transcript NM_001042492.3 (MANE Select); coding-DNA positions 5213 to 5217, 5 bases deleted (AGGTA; older notation c.5213_5217delAGGTA).
Protein change: p.Lys1738fs; shifts the reading frame from lysine 1738.
Molecular consequence: frameshift variant.
Genome position (GRCh38, 1-based): chr17:31,326,197-31,326,201, AGGTA deleted; deleting any 5 consecutive bases within chr17:31,326,196-31,326,201 gives the same sequence; the c. name uses the placement nearest the transcript's 3' end. VCF-style (leftmost placement, unchanged base first): chr17-31326195-GAAGGT-G. GRCh37 (hg19) VCF-style: chr17-29653213-GAAGGT-G.
Other names: c.5150_5154delAGGTA, p.Lys1717Ilefs (NM_000267.4); short protein forms K1717fs, K1738fs.
Identifiers: ClinVar variation 3659846 (VCV003659846.2).
Genomic context (GRCh38, chr17:31,326,195, plus strand): 5'-GCACATAGAGCATGAACAACAGAAACTACCTGCTGCCACCTTGGCTTTAGAAGAGGACCT[GAAGGT>G]ATTCCACAATGCTCTCAAGCTAGCTCACAAAGACACCAAAGTTTCTATTAAAGTAAGTTC-3'